The following is an entry in ClinVar:

NM_004168.4(SDHA):c.-5C>T

Gene: SDHA (succinate dehydrogenase complex flavoprotein subunit A; plus strand). Cytogenetic location: 5p15.33.
Variant type: single nucleotide variant.
Coding change: c.-5C>T on transcript NM_004168.4 (MANE Select); 5 bases upstream of the start codon, C replaced by T.
Molecular consequence: 5 prime UTR variant.
Genome position (GRCh38, 1-based): chr5:218,351, C>T. VCF-style: chr5-218351-C-T. GRCh37 (hg19) VCF-style: chr5-218466-C-T.
Other names: c.-5C>T (NM_001294332.2, NM_001330758.2, NM_004168.3).
Identifiers: ClinVar variation 371867 (VCV000371867.13), dbSNP rs572126995, ClinGen allele CA3172669.

ClinVar aggregate classification (germline): Uncertain significance. Review status: criteria provided, multiple submitters, no conflicts (2 of 4 stars). 5 submissions from 5 submitters: Uncertain significance (4). 1 of the submissions does not count toward it. Last evaluated 2025-10-01.

Conditions:
Hereditary cancer-predisposing syndrome. Also called: Hereditary neoplastic syndrome; Tumor predisposition; Hereditary Cancer Syndrome; Neoplastic Syndromes, Hereditary. Identifiers: Orphanet 140162, MedGen C0027672, MeSH D009386, MONDO:0015356.
Pheochromocytoma/paraganglioma syndrome 5. Also called: Paragangliomas 5; SDHA-Related Hereditary Paraganglioma-Pheochromocytoma Syndrome. Identifiers: Orphanet 29072, MedGen C3279992, MONDO:0013602, OMIM 614165.

Allele frequency attached by ClinVar (database versions not stated): gnomAD 0.00001; TOPMed 0.00005; gnomAD exomes 0.00006; ExAC 0.00012; 1000 Genomes Project 30x 0.00031; 1000 Genomes Project 0.00040.
gnomAD v4.1: 16 of 1,458,206 alleles (0.0011%); highest among the groups gnomAD compares: East Asian, 0.033%; no homozygotes.

Submissions (5):

Quest Diagnostics Nichols Institute San Juan Capistrano
Classification: Uncertain significance. Last evaluated: 2025-10-01. Review status: criteria provided, single submitter. Criteria: Quest Diagnostics criteria. Collection method: clinical testing. Allele origin: unknown.
Comment: The SDHA c.-5C>T variant has not been reported in individuals with SDHA-related conditions in the published literature. The frequency of this variant in the general population (Genome Aggregation Database) is higher than would generally be expected for pathogenic variants in this gene. Analysis of this variant using software algorithms for the prediction of the effect of nucleotide changes on splicing yielded predictions that this variant does not affect SDHA mRNA splicing. Based on the available information, we are unable to determine the clinical significance of this variant.

Ambry Genetics
Classification: Uncertain significance for Hereditary cancer-predisposing syndrome. Last evaluated: 2025-07-29. Review status: criteria provided, single submitter. Criteria: Ambry Variant Classification Scheme 2023. Collection method: clinical testing. Allele origin: germline.
Comment: The c.-5C>T variant is located in the 5' untranslated region (5&rsquo; UTR) of the SDHA gene. This variant results from a C to T substitution 5 bases upstream from the first translated codon. This nucleotide position is not conserved on limited sequence alignment. Based on the available evidence, the clinical significance of this variant remains unclear.

GeneDx
Classification: Uncertain significance. Last evaluated: 2025-07-03. Review status: criteria provided, single submitter. Criteria: GeneDx Variant Classification Process June 2021. Collection method: clinical testing. Allele origin: germline.
Comment: Has not been previously published as pathogenic or benign to our knowledge; Alters the Kozak sequence, which plays a major role in the initiation of translation

Myriad Genetics, Inc.
Classification: Uncertain significance for Pheochromocytoma/paraganglioma syndrome 5. Last evaluated: 2023-04-21. Review status: criteria provided, single submitter. Criteria: Myriad Autosomal Dominant, Autosomal Recessive and X-Linked Classification Criteria (2023). Collection method: clinical testing. Allele origin: unknown.
Comment: This variant is classified as a variant of uncertain significance as there is insufficient evidence to determine its impact on protein function and/or cancer risk.

Counsyl
Classification: Uncertain significance for Pheochromocytoma/paraganglioma syndrome 5. Last evaluated: 2016-06-07. Review status: no assertion criteria provided. Collection method: clinical testing. Allele origin: unknown. Not counted in ClinVar's aggregate classification.